The following is an entry in ClinVar:

NC_000015.10:g.51212562del

Genes: PIRC66 (piwi-interacting RNA cluster 66; plus strand), CYP19A1 (cytochrome P450 family 19 subfamily A member 1; minus strand), MIR4713HG (MIR4713 host gene; plus strand). Cytogenetic location: 15q21.2.
Variant type: Deletion.
Genome position: GRCh38 VCF-style: chr15-51212560-AC-A. GRCh37 (hg19) VCF-style: chr15-51504757-AC-A.
Identifiers: ClinVar variation 649135 (VCV000649135.8), dbSNP rs1217078313, ClinGen allele CA617898900.

ClinVar aggregate classification (germline): Pathogenic (1 of 4 stars; one submission).

Submission:

Labcorp Genetics (formerly Invitae), Labcorp
Classification: Pathogenic. Last evaluated: 2022-02-04. Review status: criteria provided, single submitter. Criteria: Invitae Variant Classification Sherloc (09022015). Collection method: clinical testing. Allele origin: germline.
Comment: For these reasons, this variant has been classified as Pathogenic. ClinVar contains an entry for this variant (Variation ID: 649135). This variant has not been reported in the literature in individuals affected with CYP19A1-related conditions. This variant is present in population databases (no rsID available, gnomAD 0.003%). This sequence change creates a premature translational stop signal (p.Gly341Valfs*5) in the CYP19A1 gene. It is expected to result in an absent or disrupted protein product. Loss-of-function variants in CYP19A1 are known to be pathogenic (PMID: 14602738, 27086564, 27256151).

Literature cited by the submitters: PubMed 14602738; PubMed 27086564; PubMed 27256151.